The following is an entry in ClinVar:

ClinVar aggregate classification (germline): Pathogenic. Review status: criteria provided, multiple submitters, no conflicts (2 of 4 stars). 2 submissions from 2 submitters: Pathogenic (2). Last evaluated 2020-02-20.

Conditions:
Polycystic kidney disease, adult type (PKD1). Also called: POLYCYSTIC KIDNEY DISEASE, ADULT, TYPE I; Polycystic Kidney Disease 1, Autosomal Dominant; Polycystic kidney disease 1; Polycystic kidney disease 1, severe; Polycystic Kidney, Autosomal Dominant; POLYCYSTIC KIDNEY DISEASE 1 WITH OR WITHOUT POLYCYSTIC LIVER DISEASE. Identifiers: MedGen C3149841, MONDO:0008263, OMIM 173900.

Submissions (2):

Department of Pathology and Laboratory Medicine, Sinai Health System
Classification: Pathogenic for Polycystic kidney disease, adult type. Last evaluated: 2020-02-20. Review status: criteria provided, single submitter. Criteria: ACMG Guidelines, 2015. Collection method: clinical testing. Allele origin: germline. Affected: yes.

Juno Genomics, Hangzhou Juno Genomics, Inc
Classification: Pathogenic for Polycystic kidney disease, adult type. Review status: criteria provided, single submitter. Criteria: ACMG Guidelines, 2015. Collection method: clinical testing. Allele origin: germline. Affected: yes.
Comment: Absent from controls (or at extremely low frequency if recessive) in Genome Aggregation Database, Exome Sequencing Project, 1000 Genomes Project, or Exome Aggregation Consortium.;Null variant in a gene where loss of function (LOF) is a known mechanism of disease.

NM_001009944.3(PKD1):c.890dup (p.Leu298fs)

Gene: PKD1 (polycystin 1, transient receptor potential channel interacting; minus strand). Cytogenetic location: 16p13.3.
Variant type: Duplication.
Coding change: c.890dup on transcript NM_001009944.3 (MANE Select); coding-DNA position 890, one base duplicated (C; older notation c.890dupC).
Protein change: p.Leu298fs; shifts the reading frame from leucine 298.
Molecular consequence: frameshift variant.
Genome position (GRCh38, 1-based): chr16:2,118,102, G duplicated on the plus strand (C on the coding strand, the reverse complement: PKD1 is on the minus strand); the first of 4 consecutive G bases (chr16:2,118,102-2,118,105); duplicating any one gives the same sequence. VCF-style (leftmost placement, unchanged base first): chr16-2118101-C-CG. GRCh37 (hg19) VCF-style: chr16-2168102-C-CG.
Other names: c.890dup (NM_001009944.2); c.890dup, p.Leu298fs (NM_000296.4); short protein forms L298fs.
Identifiers: ClinVar variation 3382887 (VCV003382887.3).
Genomic context (GRCh38, chr16:2,118,101, plus strand): 5'-AGCGGCATCCACCTCGGCGGAGCCGTCTCCGAAGTCCCAGCGTGTGGCAGTGACAGGGAG[C>CG]GGGGCAGCGATGTGGAAGGCTGCTAGCTGGCCAGAGGCCAGAGGTCCGTGGGGCCCCACC-3'